The following is an entry in ClinVar:

NM_006947.4(SRP72):c.422A>G (p.Asp141Gly)

Gene: SRP72 (signal recognition particle 72; plus strand). Cytogenetic location: 4q12.
Variant type: single nucleotide variant.
Coding change: c.422A>G on transcript NM_006947.4 (MANE Select); coding-DNA position 422, A replaced by G.
Protein change: p.Asp141Gly; replaces aspartic acid 141 with glycine.
Molecular consequence: missense variant. On other transcripts: non-coding transcript variant (1).
Genome position (GRCh38, 1-based): chr4:56,474,121, A>G. VCF-style: chr4-56474121-A-G. GRCh37 (hg19) VCF-style: chr4-57340287-A-G.
Other names: c.422A>G, p.Asp141Gly (NM_001267722.2); short protein forms D141G.
Identifiers: ClinVar variation 3962104 (VCV003962104.1).

ClinVar aggregate classification (germline): Uncertain significance (1 of 4 stars; one submission).

Submission:

Ambry Genetics
Classification: Uncertain significance. Last evaluated: 2025-05-17. Review status: criteria provided, single submitter. Criteria: Ambry Variant Classification Scheme 2023. Collection method: clinical testing. Allele origin: germline.
Comment: The p.D141G variant (also known as c.422A>G), located in coding exon 4 of the SRP72 gene, results from an A to G substitution at nucleotide position 422. The aspartic acid at codon 141 is replaced by glycine, an amino acid with similar properties. This amino acid position is conserved. In addition, this alteration is predicted to be deleterious by in silico analysis. Based on the available evidence, the clinical significance of this variant remains unclear.